The following is an entry in ClinVar:

ClinVar aggregate classification (germline): Uncertain significance (1 of 4 stars; one submission).

Allele frequency attached by ClinVar (database versions not stated): gnomAD exomes below 0.00001; ExAC 0.00001; gnomAD 0.00001; TOPMed 0.00003.
gnomAD v4.1: 10 of 1,614,082 alleles (0.00062%); highest among the groups gnomAD compares: Middle Eastern, 0.016%; no homozygotes.

Submission:

CeGaT Center for Human Genetics Tuebingen
Classification: Uncertain significance. Last evaluated: 2023-07-01. Review status: criteria provided, single submitter. Criteria: CeGaT Center For Human Genetics Tuebingen Variant Classification Criteria Version 2. Collection method: clinical testing. Allele origin: germline. Affected: yes. Observed: 1 variant allele.
Comment: LAMA2: PM2

NM_000426.4(LAMA2):c.3217A>G (p.Asn1073Asp)

Gene: LAMA2 (laminin subunit alpha 2; plus strand). Cytogenetic location: 6q22.33.
Variant type: single nucleotide variant.
Coding change: c.3217A>G on transcript NM_000426.4 (MANE Select); coding-DNA position 3217, A replaced by G.
Protein change: p.Asn1073Asp; replaces asparagine 1073 with aspartic acid.
Molecular consequence: missense variant.
Genome position (GRCh38, 1-based): chr6:129,312,903, A>G. VCF-style: chr6-129312903-A-G. GRCh37 (hg19) VCF-style: chr6-129634048-A-G.
Other names: c.3217A>G, p.Asn1073Asp (NM_001079823.2); short protein forms N1073D.
Identifiers: ClinVar variation 2656903 (VCV002656903.24), dbSNP rs777383587, ClinGen allele CA3993210.